The following is an entry in ClinVar:

ClinVar aggregate classification (germline): Likely benign. Review status: criteria provided, multiple submitters, no conflicts (2 of 4 stars). 2 submissions from 2 submitters: Likely benign (2). Last evaluated 2026-01-26.

Conditions:
Hereditary diffuse gastric adenocarcinoma (HDGC). Also called: DIFFUSE GASTRIC AND LOBULAR BREAST CANCER SYNDROME. Identifiers: Orphanet 26106, MedGen C1708349, MONDO:0007648, OMIM 137215.

Allele frequency attached by ClinVar (database versions not stated): gnomAD exomes 0.00002 and 0.00004; ExAC 0.00007.
gnomAD v4.1: 11 of 1,606,038 alleles (0.00068%); highest among the groups gnomAD compares: Non-Finnish European, 0.00093%; no homozygotes.

Submissions (2):

Labcorp Genetics (formerly Invitae), Labcorp
Classification: Likely benign. Last evaluated: 2026-01-26. Review status: criteria provided, single submitter. Criteria: Invitae Variant Classification Sherloc (09022015). Collection method: clinical testing. Allele origin: germline.

Myriad Genetics, Inc.
Classification: Likely benign for Hereditary diffuse gastric adenocarcinoma. Last evaluated: 2024-10-11. Review status: criteria provided, single submitter. Criteria: Myriad Autosomal Dominant, Autosomal Recessive and X-Linked Classification Criteria (2023). Collection method: clinical testing. Allele origin: unknown.
Comment: This variant is considered likely benign. This variant is intronic and is not expected to impact mRNA splicing.

NM_001903.5(CTNNA1):c.1297-19T>C

Gene: CTNNA1 (catenin alpha 1; plus strand). Cytogenetic location: 5q31.2.
Variant type: single nucleotide variant.
Coding change: c.1297-19T>C on transcript NM_001903.5 (MANE Select); 19 bases into the intron before coding-DNA position 1297, T replaced by C.
Molecular consequence: intron variant.
Genome position (GRCh38, 1-based): chr5:138,904,330, T>C. VCF-style: chr5-138904330-T-C. GRCh37 (hg19) VCF-style: chr5-138240019-T-C.
Other names: c.1297-19T>C (NM_001323982.2, NM_001323984.2, NM_001290307.3 and 2 more transcripts); c.1297-13412T>C (NM_001323986.2); c.928-19T>C (NM_001290310.3); c.988-19T>C (NM_001290309.3); c.187-19T>C (NM_001323996.1, NM_001323993.1, NM_001324005.1 and 17 more transcripts); c.-211-19T>C (NM_001324007.1, NM_001324009.1, NM_001324006.1 and 1 more transcripts); c.-57-19T>C (NM_001324013.1, NM_001324012.1); c.187-13412T>C (NM_001324011.1); and 1 more.
Identifiers: ClinVar variation 1533464 (VCV001533464.9), dbSNP rs751013107, ClinGen allele CA3431907.